The following is an entry in ClinVar:

NM_000179.2(MSH6):c.*4247G>A

Gene: MSH6 (mutS homolog 6; plus strand).
Variant type: single nucleotide variant.
Coding change: c.*4247G>A on transcript NM_000179.2; 4247 bases downstream of the stop codon, G replaced by A.
Identifiers: ClinVar variation 89152 (VCV000089152.3).

ClinVar aggregate classification (germline): Benign (3 of 4 stars; one submission).

Conditions:
Lynch syndrome. Identifiers: Orphanet 144, MedGen C4552100, MONDO:0005835. Disease mechanism: loss of function.

Submission:

International Society for Gastrointestinal Hereditary Tumours (InSiGHT)
Classification: Benign for Lynch Syndrome. Last evaluated: 2013-09-05. Review status: reviewed by expert panel. Criteria: Guidelines v1.9. Collection method: research. Allele origin: germline.
Comment: MAF >1%

Classified with v1.9 guidelines
ClinVar note: Converted during submission from no known pathogenicity to Benign.